The following is an entry in ClinVar:

NM_001267550.2(TTN):c.103625T>C (p.Val34542Ala)

Genes: TTN (titin; minus strand), TTN-AS1 (TTN antisense RNA 1; plus strand). Cytogenetic location: 2q31.2.
Variant type: single nucleotide variant.
Coding change: c.103625T>C on transcript NM_001267550.2 (MANE Select); coding-DNA position 103625, T replaced by C.
Protein change: p.Val34542Ala; replaces valine 34542 with alanine.
Molecular consequence: missense variant.
Genome position (GRCh38, 1-based): chr2:178,532,990, A>G on the plus strand (T>C on the coding strand, the complement: TTN is on the minus strand). VCF-style: chr2-178532990-A-G. GRCh37 (hg19) VCF-style: chr2-179397717-A-G.
Other names: c.98702T>C, p.Val32901Ala (NM_001256850.1); c.76430T>C, p.Val25477Ala (NM_003319.4); c.95921T>C, p.Val31974Ala (NM_133378.4); c.76805T>C, p.Val25602Ala (NM_133432.3); c.77006T>C, p.Val25669Ala (NM_133437.4); short protein forms V25477A, V32901A, V25669A, V34542A, V25602A, V31974A.
Identifiers: ClinVar variation 4794418 (VCV004794418.1).

ClinVar aggregate classification (germline): Uncertain significance (1 of 4 stars; one submission).

Conditions:
Autosomal recessive limb-girdle muscular dystrophy type 2J (LGMDR10). Also called: MUSCULAR DYSTROPHY, LIMB-GIRDLE, AUTOSOMAL RECESSIVE 10; Limb-girdle muscular dystrophy, type 2J. Identifiers: Orphanet 140922, MedGen C1837342, MONDO:0012127, OMIM 608807.
Dilated cardiomyopathy 1G (CMD1G). Identifiers: Orphanet 154, MedGen C1858763, MONDO:0011400, OMIM 604145.

gnomAD v4.1: 4 of 1,613,914 alleles (0.00025%); highest among the groups gnomAD compares: East Asian, 0.0089%; no homozygotes.

Submission:

Labcorp Genetics (formerly Invitae), Labcorp
Classification: Uncertain significance for Dilated cardiomyopathy 1G; Autosomal recessive limb-girdle muscular dystrophy type 2J. Last evaluated: 2025-05-13. Review status: criteria provided, single submitter. Criteria: Invitae Variant Classification Sherloc (09022015). Collection method: clinical testing. Allele origin: germline.
Comment: This sequence change replaces valine, which is neutral and non-polar, with alanine, which is neutral and non-polar, at codon 34542 of the TTN protein (p.Val34542Ala). This variant is present in population databases (rs553878555, gnomAD 0.01%). This variant has not been reported in the literature in individuals affected with TTN-related conditions. Experimental studies and prediction algorithms are not available or were not evaluated, and the functional significance of this variant is currently unknown. This variant is located in the M band of TTN (PMID: 25589632). Non-truncating variants in this region may be relevant for neuromuscular disorders, but have not been definitively shown to cause cardiomyopathy (PMID: 23975875). In summary, the available evidence is currently insufficient to determine the role of this variant in disease. Therefore, it has been classified as a Variant of Uncertain Significance.

Literature cited by the submitters: PubMed 25589632; PubMed 23975875.